The following is an entry in ClinVar:

NM_001025295.3(IFITM5):c.149G>A (p.Cys50Tyr)

Gene: IFITM5 (interferon induced transmembrane protein 5; minus strand). Cytogenetic location: 11p15.5.
Variant type: single nucleotide variant.
Coding change: c.149G>A on transcript NM_001025295.3 (MANE Select); coding-DNA position 149, G replaced by A.
Protein change: p.Cys50Tyr; replaces cysteine 50 with tyrosine.
Molecular consequence: missense variant.
Genome position (GRCh38, 1-based): chr11:299,342, C>T on the plus strand (G>A on the coding strand, the complement: IFITM5 is on the minus strand). VCF-style: chr11-299342-C-T. GRCh37 (hg19) VCF-style: chr11-299342-C-T.
Other names: c.149G>A (NM_001025295.2); short protein forms C50Y.
Identifiers: ClinVar variation 1474655 (VCV001474655.7), dbSNP rs1441356451, ClinGen allele CA378890703.

ClinVar aggregate classification (germline): Uncertain significance. Review status: criteria provided, multiple submitters, no conflicts (2 of 4 stars). 2 submissions from 2 submitters: Uncertain significance (2). Last evaluated 2025-12-08.

Conditions:
IFITM5-related disorder. Also called: IFITM5-related condition.

Allele frequency attached by ClinVar (database versions not stated): gnomAD exomes 0.00001.
gnomAD v4.1: 12 of 1,603,500 alleles (0.00075%); highest among the groups gnomAD compares: Non-Finnish European, 0.001%; no homozygotes.

Submissions (2):

PreventionGenetics, part of Exact Sciences
Classification: Uncertain significance for IFITM5-related condition. Last evaluated: 2025-12-08. Review status: criteria provided, single submitter. Criteria: ACMG Guidelines, 2015. Collection method: clinical testing. Allele origin: germline.
Comment: The IFITM5 c.149G>A variant is predicted to result in the amino acid substitution p.Cys50Tyr. To our knowledge, this variant has not been reported in the literature. This variant is reported in 0.0019% of alleles in individuals of European (Non-Finnish) descent in gnomAD. Although we suspect that this variant may be benign, at this time, the clinical significance of this variant is uncertain due to the absence of conclusive functional and genetic evidence.

Labcorp Genetics (formerly Invitae), Labcorp
Classification: Uncertain significance. Last evaluated: 2023-02-23. Review status: criteria provided, single submitter. Criteria: Invitae Variant Classification Sherloc (09022015). Collection method: clinical testing. Allele origin: germline.
Comment: This sequence change replaces cysteine, which is neutral and slightly polar, with tyrosine, which is neutral and polar, at codon 50 of the IFITM5 protein (p.Cys50Tyr). In summary, the available evidence is currently insufficient to determine the role of this variant in disease. Therefore, it has been classified as a Variant of Uncertain Significance. An algorithm developed to predict the effect of missense changes on protein structure and function (PolyPhen-2) suggests that this variant is likely to be disruptive. ClinVar contains an entry for this variant (Variation ID: 1474655). This variant has not been reported in the literature in individuals affected with IFITM5-related conditions. The frequency data for this variant in the population databases is considered unreliable, as metrics indicate poor data quality at this position in the gnomAD database.